The following is an entry in ClinVar:

ClinVar aggregate classification (germline): Uncertain significance (1 of 4 stars; one submission).

Conditions:
Nephronophthisis. Also called: Juvenile Nephronophthisis. Identifiers: Orphanet 655, MedGen C0687120, MONDO:0019005, HP:0000090.
Jeune thoracic dystrophy. Also called: Jeune syndrome; Infantile thoracic dystrophy; Thoracic pelvic phalangeal dystrophy; Jeune's syndrome; Chondroectodermal dysplasia-like syndrome; Short-rib thoracic dysplasia. Identifiers: Orphanet 474, MedGen C0265275, MONDO:0018770.

Allele frequency attached by ClinVar (database versions not stated): gnomAD exomes below 0.00001.
gnomAD v4.1: 1 of 1,613,912 alleles (0.000062%); highest among the groups gnomAD compares: Non-Finnish European, 0.000085%; no homozygotes.

Submission:

Labcorp Genetics (formerly Invitae), Labcorp
Classification: Uncertain significance for Jeune thoracic dystrophy; Nephronophthisis. Last evaluated: 2021-06-09. Review status: criteria provided, single submitter. Criteria: Invitae Variant Classification Sherloc (09022015). Collection method: clinical testing. Allele origin: germline.
Comment: In summary, the available evidence is currently insufficient to determine the role of this variant in disease. Therefore, it has been classified as a Variant of Uncertain Significance. Algorithms developed to predict the effect of missense changes on protein structure and function are either unavailable or do not agree on the potential impact of this missense change (SIFT: "Deleterious"; PolyPhen-2: "Benign"; Align-GVGD: "Class C0"). This variant has not been reported in the literature in individuals with TTC21B-related conditions. This variant is not present in population databases (ExAC no frequency). This sequence change replaces serine with proline at codon 572 of the TTC21B protein (p.Ser572Pro). The serine residue is moderately conserved and there is a moderate physicochemical difference between serine and proline.

NM_024753.5(TTC21B):c.1714T>C (p.Ser572Pro)

Gene: TTC21B (tetratricopeptide repeat domain 21B; minus strand). Cytogenetic location: 2q24.3.
Variant type: single nucleotide variant.
Coding change: c.1714T>C on transcript NM_024753.5 (MANE Select); coding-DNA position 1714, T replaced by C.
Protein change: p.Ser572Pro; replaces serine 572 with proline.
Molecular consequence: missense variant.
Genome position (GRCh38, 1-based): chr2:165,917,442, A>G on the plus strand (T>C on the coding strand, the complement: TTC21B is on the minus strand). VCF-style: chr2-165917442-A-G. GRCh37 (hg19) VCF-style: chr2-166773952-A-G.
Other names: short protein forms S572P.
Identifiers: ClinVar variation 1359534 (VCV001359534.8), dbSNP rs2105327024, ClinGen allele CA349060462.